The following is an entry in ClinVar:

ClinVar aggregate classification (germline): Uncertain significance. Review status: criteria provided, multiple submitters, no conflicts (2 of 4 stars). 5 submissions from 3 submitters: Uncertain significance (5). Last evaluated 2024-03-04.

Conditions:
Diabetes mellitus, transient neonatal, 2 (TNDM2). Identifiers: Orphanet 99886, MedGen C1835887, MONDO:0012480, OMIM 610374. Disease mechanism: loss of function.
Diabetes mellitus, permanent neonatal 3. Also called: ABCC8-Related Permanent Neonatal Diabetes Mellitus. Identifiers: MedGen C5394303, MONDO:0030088, OMIM 618857.
Type 2 diabetes mellitus. Also called: Type II diabetes mellitus. Identifiers: MedGen C0011860, MeSH D003924, MONDO:0005148, OMIM 125853, HP:0005978.
Leucine-induced hypoglycemia (LIH). Also called: LEUCINE-SENSITIVE HYPOGLYCEMIA OF INFANCY. Identifiers: MedGen C0271714, MONDO:0009415, OMIM 240800.
Hyperinsulinemic hypoglycemia, familial, 1 (HHF1). Also called: HYPERINSULINISM, FAMILIAL, WITH PANCREATIC NESIDIOBLASTOSIS; HYPOGLYCEMIA, HYPERINSULINEMIC, OF INFANCY; NESIDIOBLASTOSIS OF PANCREAS; Persistent hyperinsulinemic hypoglycemia of infancy; Persistent Hyperinsulinemia Hypoglycemia of Infancy. Identifiers: Orphanet 276575, Orphanet 276598, MedGen C2931832, MONDO:0009734, OMIM 256450.
Permanent neonatal diabetes mellitus (PNDM). Identifiers: Orphanet 99885, MedGen C1833104, MONDO:0100164, MONDO:0011643. Disease mechanism: gain of function.

Allele frequency attached by ClinVar (database versions not stated): ExAC 0.00001; gnomAD exomes 0.00002 and 0.00004; TOPMed 0.00002; gnomAD 0.00003.
gnomAD v4.1: 71 of 1,614,072 alleles (0.0044%); highest among the groups gnomAD compares: Non-Finnish European, 0.0055%; no homozygotes.

Submissions (5):

Fulgent Genetics
Classification: Uncertain significance for Type 2 diabetes mellitus; Leucine-induced hypoglycemia; Hyperinsulinemic hypoglycemia, familial, 1; Diabetes mellitus, transient neonatal, 2; Diabetes mellitus, permanent neonatal 3. Last evaluated: 2024-03-04. Review status: criteria provided, single submitter. Criteria: ACMG Guidelines, 2015. Collection method: clinical testing. Allele origin: germline.

Blueprint Genetics
Classification: Uncertain significance. Last evaluated: 2024-02-19. Review status: criteria provided, single submitter. Criteria: ACMG Guidelines, 2015. Collection method: clinical testing. Allele origin: germline.

Illumina Laboratory Services, Illumina
Classification: Uncertain significance for Hyperinsulinemic hypoglycemia, familial, 1. Last evaluated: 2017-04-27. Review status: criteria provided, single submitter. Criteria: ICSL Variant Classification Criteria 13 December 2019. Collection method: clinical testing. Allele origin: germline.

Illumina Laboratory Services, Illumina
Classification: Uncertain significance for Diabetes mellitus, transient neonatal, 2. Last evaluated: 2017-04-27. Review status: criteria provided, single submitter. Criteria: ICSL Variant Classification Criteria 13 December 2019. Collection method: clinical testing. Allele origin: germline.

Illumina Laboratory Services, Illumina
Classification: Uncertain significance for Permanent neonatal diabetes mellitus 1. Last evaluated: 2017-04-27. Review status: criteria provided, single submitter. Criteria: ICSL Variant Classification Criteria 13 December 2019. Collection method: clinical testing. Allele origin: germline.
Comment: This variant was observed as part of a predisposition screen in an ostensibly healthy population. A literature search was performed for the gene, cDNA change, and amino acid change (where applicable). Publications were found based on this search. However, the evidence from the literature, in combination with allele frequency data from public databases where available, was not sufficient to rule this variant in or out of causing disease. Therefore, this variant is classified as a variant of unknown significance.

Literature cited by the submitters: PubMed 18436707 (cited by Illumina Laboratory Services, Illumina); PubMed 17919176 (cited by Illumina Laboratory Services, Illumina); PubMed 17668386 (cited by Illumina Laboratory Services, Illumina); PubMed 20922570 (cited by Illumina Laboratory Services, Illumina).

NM_000352.6(ABCC8):c.787T>G (p.Tyr263Asp)

Gene: ABCC8 (ATP binding cassette subfamily C member 8; minus strand). Cytogenetic location: 11p15.1.
Variant type: single nucleotide variant.
Coding change: c.787T>G on transcript NM_000352.6 (MANE Select); coding-DNA position 787, T replaced by G.
Protein change: p.Tyr263Asp; replaces tyrosine 263 with aspartic acid.
Molecular consequence: missense variant. On other transcripts: non-coding transcript variant (1).
Genome position (GRCh38, 1-based): chr11:17,461,618, A>C on the plus strand (T>G on the coding strand, the complement: ABCC8 is on the minus strand). VCF-style: chr11-17461618-A-C. GRCh37 (hg19) VCF-style: chr11-17483165-A-C.
Other names: c.787T>G, p.Tyr263Asp (NM_001287174.3, NM_001351295.2, NM_001351296.2 and 1 more transcripts); short protein forms Y263D.
Identifiers: ClinVar variation 880150 (VCV000880150.7), dbSNP rs778892038, ClinGen allele CA5903778.